The following is an entry in ClinVar:

NM_022835.3(PLEKHG2):c.1910A>G (p.Asp637Gly)

Gene: PLEKHG2 (pleckstrin homology and RhoGEF domain containing G2; plus strand). Cytogenetic location: 19q13.2.
Variant type: single nucleotide variant.
Coding change: c.1910A>G on transcript NM_022835.3 (MANE Select); coding-DNA position 1910, A replaced by G.
Protein change: p.Asp637Gly; replaces aspartic acid 637 with glycine.
Molecular consequence: missense variant. On other transcripts: intron variant (1).
Genome position (GRCh38, 1-based): chr19:39,422,964, A>G. VCF-style: chr19-39422964-A-G. GRCh37 (hg19) VCF-style: chr19-39913604-A-G.
Other names: c.1910A>G (NM_022835.2); c.1733A>G, p.Asp578Gly (NM_001351693.2); c.1677+676A>G (NM_001351694.2); short protein forms D578G, D637G.
Identifiers: ClinVar variation 2166372 (VCV002166372.6), dbSNP rs186921398, ClinGen allele CA9429665.

ClinVar aggregate classification (germline): Uncertain significance. Review status: criteria provided, multiple submitters, no conflicts (2 of 4 stars). 2 submissions from 2 submitters: Uncertain significance (2). Last evaluated 2023-05-17.

Allele frequency attached by ClinVar (database versions not stated): gnomAD exomes 0.00001; ExAC 0.00004; gnomAD 0.00005; TOPMed 0.00005; 1000 Genomes Project 0.00060; 1000 Genomes Project 30x 0.00062.
gnomAD v4.1: 29 of 1,614,118 alleles (0.0018%); highest among the groups gnomAD compares: East Asian, 0.053%; no homozygotes.

Submissions (2):

Ambry Genetics
Classification: Uncertain significance. Last evaluated: 2023-05-17. Review status: criteria provided, single submitter. Criteria: Ambry Variant Classification Scheme 2023. Collection method: clinical testing. Allele origin: germline.

Labcorp Genetics (formerly Invitae), Labcorp
Classification: Uncertain significance. Last evaluated: 2022-03-04. Review status: criteria provided, single submitter. Criteria: Invitae Variant Classification Sherloc (09022015). Collection method: clinical testing. Allele origin: germline.
Comment: In summary, the available evidence is currently insufficient to determine the role of this variant in disease. Therefore, it has been classified as a Variant of Uncertain Significance. Algorithms developed to predict the effect of missense changes on protein structure and function (SIFT, PolyPhen-2, Align-GVGD) all suggest that this variant is likely to be tolerated. This variant has not been reported in the literature in individuals affected with PLEKHG2-related conditions. This variant is present in population databases (rs186921398, gnomAD 0.08%). This sequence change replaces aspartic acid, which is acidic and polar, with glycine, which is neutral and non-polar, at codon 637 of the PLEKHG2 protein (p.Asp637Gly).